The following is an entry in ClinVar:

NM_000545.8(HNF1A):c.1502-19CT[2]

Gene: HNF1A (HNF1 homeobox A; plus strand). Cytogenetic location: 12q24.31.
Variant type: Microsatellite.
Coding change: c.1502-19CT[2] on transcript NM_000545.8 (MANE Select); two copies in a row of the 2-base unit CT starting at c.1502-19.
Molecular consequence: intron variant.
Genome position: GRCh38 VCF-style: chr12-120999248-CCT-C. GRCh37 (hg19) VCF-style: chr12-121437051-CCT-C.
Other names: c.1502-14_1502-13delTC (NM_000545.8); c.1502-19CT[2] (NM_001306179.2).
Identifiers: ClinVar variation 1256570 (VCV001256570.10), dbSNP rs753496283, ClinGen allele CA6832092.

ClinVar aggregate classification (germline): Benign/Likely benign. Review status: criteria provided, multiple submitters, no conflicts (2 of 4 stars). 5 submissions from 5 submitters: Benign (2); Likely benign (3). Last evaluated 2026-01-19.

Submissions (5):

Labcorp Genetics (formerly Invitae), Labcorp
Classification: Likely benign. Last evaluated: 2026-01-19. Review status: criteria provided, single submitter. Criteria: Invitae Variant Classification Sherloc (09022015). Collection method: clinical testing. Allele origin: germline.

Women's Health and Genetics/Laboratory Corporation of America, LabCorp
Classification: Benign. Last evaluated: 2025-05-13. Review status: criteria provided, single submitter. Criteria: LabCorp Variant Classification Summary - May 2015. Collection method: clinical testing. Allele origin: germline.
Comment: Variant summary: HNF1A c.1502-14_1502-13delTC alters a nucleotide located at a position not widely known to affect splicing. Consensus agreement among computation tools predict no significant impact on normal splicing. However, these predictions have yet to be confirmed by functional studies. The variant allele was found at a frequency of 8e-05 in 250462 control chromosomes (gnomAD). The observed variant frequency is approximately 3 fold of the estimated maximal expected allele frequency for a pathogenic variant in HNF1A causing Maturity Onset Diabetes Of The Young 3 phenotype (2.5e-05). To our knowledge, no occurrence of c.1502-14_1502-13delTC in individuals affected with Maturity Onset Diabetes Of The Young 3 and no experimental evidence demonstrating its impact on protein function have been reported. ClinVar contains an entry for this variant (Variation ID: 1256570). Based on the evidence outlined above, the variant was classified as benign.

Athena Diagnostics
Classification: Benign. Last evaluated: 2024-07-17. Review status: criteria provided, single submitter. Criteria: Athena Diagnostics Criteria. Collection method: clinical testing. Allele origin: unknown.

Blueprint Genetics
Classification: Likely benign. Last evaluated: 2023-07-26. Review status: criteria provided, single submitter. Criteria: ACMG Guidelines, 2015. Collection method: clinical testing. Allele origin: germline.

GeneDx
Classification: Likely benign. Last evaluated: 2020-04-06. Review status: criteria provided, single submitter. Criteria: GeneDx Variant Classification Process June 2021. Collection method: clinical testing. Allele origin: germline. Affected: yes.
Comment: See Variant Classification Assertion Criteria.